The following is an entry in ClinVar:

ClinVar aggregate classification (germline): Uncertain significance. Review status: criteria provided, multiple submitters, no conflicts (2 of 4 stars). 2 submissions from 2 submitters: Uncertain significance (2). Last evaluated 2024-05-21.

Conditions:
Autosomal dominant spastic paraplegia type 9. Identifiers: MedGen C1832669, MONDO:0015091.
de Barsy syndrome. Also called: Cutis laxa-corneal clouding-oligophrenia syndrome. Identifiers: Orphanet 2962, MedGen C0268354, MONDO:0017569.
Cutis laxa, autosomal dominant 3 (ADCL3). Identifiers: Orphanet 90348, MedGen C4225268, MONDO:0014706, OMIM 616603.

Submissions (2):

GeneDx
Classification: Uncertain significance. Last evaluated: 2024-05-21. Review status: criteria provided, single submitter. Criteria: GeneDx Variant Classification Process June 2021. Collection method: clinical testing. Allele origin: germline. Affected: yes.
Comment: Has not been previously published as pathogenic or benign to our knowledge; Not observed at significant frequency in large population cohorts (gnomAD); In silico analysis indicates that this missense variant does not alter protein structure/function

Labcorp Genetics (formerly Invitae), Labcorp
Classification: Uncertain significance for Autosomal dominant spastic paraplegia type 9; de Barsy syndrome; Cutis laxa, autosomal dominant 3. Last evaluated: 2022-05-13. Review status: criteria provided, single submitter. Criteria: Invitae Variant Classification Sherloc (09022015). Collection method: clinical testing. Allele origin: germline.
Comment: This variant is not present in population databases (gnomAD no frequency). This sequence change replaces glutamic acid, which is acidic and polar, with aspartic acid, which is acidic and polar, at codon 412 of the ALDH18A1 protein (p.Glu412Asp). This variant has not been reported in the literature in individuals affected with ALDH18A1-related conditions. In summary, the available evidence is currently insufficient to determine the role of this variant in disease. Therefore, it has been classified as a Variant of Uncertain Significance. Algorithms developed to predict the effect of missense changes on protein structure and function (SIFT, PolyPhen-2, Align-GVGD) all suggest that this variant is likely to be tolerated.

NM_002860.4(ALDH18A1):c.1236G>C (p.Glu412Asp)

Gene: ALDH18A1 (aldehyde dehydrogenase 18 family member A1; minus strand). Cytogenetic location: 10q24.1.
Variant type: single nucleotide variant.
Coding change: c.1236G>C on transcript NM_002860.4 (MANE Select); coding-DNA position 1236, G replaced by C.
Protein change: p.Glu412Asp; replaces glutamic acid 412 with aspartic acid.
Molecular consequence: missense variant.
Genome position (GRCh38, 1-based): chr10:95,625,372, C>G on the plus strand (G>C on the coding strand, the complement: ALDH18A1 is on the minus strand). VCF-style: chr10-95625372-C-G. GRCh37 (hg19) VCF-style: chr10-97385129-C-G.
Other names: c.1230G>C, p.Glu410Asp (NM_001017423.2, NM_001323415.2); c.903G>C, p.Glu301Asp (NM_001323412.2, NM_001323416.2); c.1236G>C, p.Glu412Asp (NM_001323413.2, NM_001323414.2); c.1131G>C, p.Glu377Asp (NM_001323417.2); c.897G>C, p.Glu299Asp (NM_001323418.2); c.600G>C, p.Glu200Asp (NM_001323419.2); c.1236G>C (NM_002860.3); short protein forms E410D, E301D, E200D, E299D, E377D, E412D.
Identifiers: ClinVar variation 2165773 (VCV002165773.5), dbSNP rs2526811323, ClinGen allele CA377702593.
Genomic context (GRCh38, chr10:95,625,372, plus strand): 5'-AATAATGCACACCCCTCCACAACATTGACTTTAAATTGCCTGGTCTTTACCCTCTGCCTC[C>G]TCCAAGTCTTTTTTGTTGGCTAACAGGATCTCATCACGCTGGTCCGTCAACAGATCAGCC-3'
Protein context (NP_002851.2, residues 402-422): EILLANKKDL[Glu412Asp]EAEGRLAAPL